The following is an entry in ClinVar:

NM_000264.5(PTCH1):c.4019G>T (p.Gly1340Val)

Gene: PTCH1 (patched 1; minus strand). Cytogenetic location: 9q22.32.
Variant type: single nucleotide variant.
Coding change: c.4019G>T on transcript NM_000264.5 (MANE Select); coding-DNA position 4019, G replaced by T.
Protein change: p.Gly1340Val; replaces glycine 1340 with valine.
Molecular consequence: missense variant. On other transcripts: non-coding transcript variant (1).
Genome position (GRCh38, 1-based): chr9:95,447,237, C>A on the plus strand (G>T on the coding strand, the complement: PTCH1 is on the minus strand). VCF-style: chr9-95447237-C-A. GRCh37 (hg19) VCF-style: chr9-98209519-C-A.
Other names: c.3821G>T, p.Gly1274Val (NM_001083602.3); c.4016G>T, p.Gly1339Val (NM_001083603.3); c.3566G>T, p.Gly1189Val (NM_001083604.3, NM_001083605.3, NM_001083606.3 and 1 more transcripts); c.3863G>T, p.Gly1288Val (NM_001354918.2); short protein forms G1288V, G1189V, G1274V, G1339V, G1340V.
Identifiers: ClinVar variation 5027464 (VCV005027464.1).

ClinVar aggregate classification (germline): Uncertain significance (1 of 4 stars; one submission).

Conditions:
Hereditary cancer-predisposing syndrome. Also called: Neoplastic Syndromes, Hereditary; Tumor predisposition; Hereditary neoplastic syndrome; Hereditary Cancer Syndrome. Identifiers: Orphanet 140162, MedGen C0027672, MeSH D009386, MONDO:0015356.

Submission:

Ambry Genetics
Classification: Uncertain significance for Hereditary cancer-predisposing syndrome. Last evaluated: 2026-07-06. Review status: criteria provided, single submitter. Criteria: Ambry Variant Classification Scheme 2023. Collection method: clinical testing. Allele origin: germline.
Comment: The p.G1274V variant (also known as c.3821G>T), located in coding exon 23 of the PTCH1 gene, results from a G to T substitution at nucleotide position 3821. The glycine at codon 1274 is replaced by valine, an amino acid with dissimilar properties. This amino acid position is conserved. In addition, the in silico prediction for this alteration is inconclusive. Based on the available evidence, the clinical significance of this variant remains unclear.